The following is an entry in ClinVar:

ClinVar aggregate classification (germline): Benign/Likely benign. Review status: criteria provided, multiple submitters, no conflicts (2 of 4 stars). 3 submissions from 3 submitters: Benign (1); Likely benign (1). 1 of the submissions does not count toward it. Last evaluated 2025-12-08.

Conditions:
LAMA5-related disorder. Also called: LAMA5-Related Disorders; LAMA5-related condition.
Inborn genetic diseases. Identifiers: MedGen C0950123, MeSH D030342.

Allele frequency attached by ClinVar (database versions not stated): TOPMed 0.00007; gnomAD 0.00010; 1000 Genomes Project 30x 0.00016; 1000 Genomes Project 0.00020; gnomAD exomes 0.00021; ExAC 0.00190.
gnomAD v4.1: 326 of 1,572,824 alleles (0.021%); highest among the groups gnomAD compares: South Asian, 0.33%; 3 homozygotes.

Submissions (3):

Labcorp Genetics (formerly Invitae), Labcorp
Classification: Benign. Last evaluated: 2025-12-08. Review status: criteria provided, single submitter. Criteria: Invitae Variant Classification Sherloc (09022015). Collection method: clinical testing. Allele origin: germline.

Ambry Genetics
Classification: Likely benign for Inborn genetic diseases. Last evaluated: 2024-10-02. Review status: criteria provided, single submitter. Criteria: Ambry Variant Classification Scheme 2023. Collection method: clinical testing. Allele origin: germline.

PreventionGenetics, part of Exact Sciences
Classification: Likely benign for LAMA5-related condition. Last evaluated: 2022-04-06. Review status: no assertion criteria provided. Collection method: clinical testing. Allele origin: germline. Not counted in ClinVar's aggregate classification.
Comment: This variant is classified as likely benign based on ACMG/AMP sequence variant interpretation guidelines (Richards et al. 2015 PMID: 25741868, with internal and published modifications).

NM_005560.6(LAMA5):c.8768C>T (p.Thr2923Met)

Gene: LAMA5 (laminin subunit alpha 5; minus strand). Cytogenetic location: 20q13.33.
Variant type: single nucleotide variant.
Coding change: c.8768C>T on transcript NM_005560.6 (MANE Select); coding-DNA position 8768, C replaced by T.
Protein change: p.Thr2923Met; replaces threonine 2923 with methionine.
Molecular consequence: missense variant.
Genome position (GRCh38, 1-based): chr20:62,313,351, G>A on the plus strand (C>T on the coding strand, the complement: LAMA5 is on the minus strand). VCF-style: chr20-62313351-G-A. GRCh37 (hg19) VCF-style: chr20-60888407-G-A.
Other names: c.8768C>T (NM_005560.3, NM_005560.4); short protein forms T2923M.
Identifiers: ClinVar variation 2044192 (VCV002044192.7), dbSNP rs560237038, ClinGen allele CA9940567.
Genomic context (GRCh38, chr20:62,313,351, plus strand): 5'-GGGTGGGTGGAGACGGGGAGGGCAGGCCACACGCACCGGGCACAAGGCCTGTCCACAGCC[G>A]TGTCCAGCTGGAAGGTCCTCTCGAAGTTGTAGAGGCTGACCACCTCCTCATTCAGCGTGT-3'
Protein context (NP_005551.3, residues 2913-2933): YNFERTFQLD[Thr2923Met]AVDRPCARSK